The following is an entry in ClinVar:

ClinVar aggregate classification (germline): Uncertain significance. Review status: criteria provided, multiple submitters, no conflicts (2 of 4 stars). 4 submissions from 4 submitters: Uncertain significance (4). Last evaluated 2024-03-06.

Conditions:
Familial thoracic aortic aneurysm and aortic dissection (TAAD). Also called: Thoracic aortic aneurysms and dissections. Identifiers: Orphanet 91387, MedGen C4707243, MONDO:0019625.
Aortic aneurysm, familial thoracic 4 (AAT4). Also called: AORTIC ANEURYSM/AORTIC DISSECTION AND PATENT DUCTUS ARTERIOSUS. Identifiers: MedGen C1851504, MONDO:0007568, OMIM 132900.

Allele frequency attached by ClinVar (database versions not stated): gnomAD exomes below 0.00001 and 0.00001; TOPMed below 0.00001; gnomAD 0.00001.
gnomAD v4.1: 12 of 1,614,102 alleles (0.00074%); highest among the groups gnomAD compares: Non-Finnish European, 0.001%; no homozygotes.

Submissions (4):

Color Diagnostics, LLC DBA Color Health
Classification: Uncertain significance for Familial thoracic aortic aneurysm and aortic dissection. Last evaluated: 2024-03-06. Review status: criteria provided, single submitter. Criteria: ACMG Guidelines, 2015. Collection method: clinical testing. Allele origin: germline.
Comment: This missense variant replaces glutamic acid with glutamine at codon 1426 of the MYH11 protein. Computational prediction suggests that this variant may have deleterious impact on protein structure and function (internally defined REVEL score threshold >= 0.7, PMID: 27666373). To our knowledge, functional studies have not been reported for this variant. This variant has not been reported in individuals affected with MYH11-related disorders in the literature. This variant has been identified in 1/251488 chromosomes in the general population by the Genome Aggregation Database (gnomAD). The available evidence is insufficient to determine the role of this variant in disease conclusively. Therefore, this variant is classified as a Variant of Uncertain Significance.

All of Us Research Program, National Institutes of Health
Classification: Uncertain significance for Familial thoracic aortic aneurysm and aortic dissection. Last evaluated: 2023-11-20. Review status: criteria provided, single submitter. Criteria: ACMG Guidelines, 2015. Collection method: clinical testing. Allele origin: germline. Inheritance: Autosomal dominant inheritance. Observed: 1 variant allele, 1 heterozygote.
Comment: This missense variant replaces glutamic acid with glutamine at codon 1426 of the MYH11 protein. Computational prediction suggests that this variant may have deleterious impact on protein structure and function (internally defined REVEL score threshold >= 0.7, PMID: 27666373). To our knowledge, functional studies have not been reported for this variant. This variant has not been reported in individuals affected with cardiovascular disorders in the literature. This variant has been identified in 1/251488 chromosomes in the general population by the Genome Aggregation Database (gnomAD). The available evidence is insufficient to determine the role of this variant in disease conclusively. Therefore, this variant is classified as a Variant of Uncertain Significance.

This study involves interpretation of variants in research participants for the purpose of population health screening. Participant phenotype was not available at the time of variant classification. Additional details can be found in publication PMID: 35346344, PMCID: PMC8962531

Labcorp Genetics (formerly Invitae), Labcorp
Classification: Uncertain significance for Aortic aneurysm, familial thoracic 4. Last evaluated: 2023-10-22. Review status: criteria provided, single submitter. Criteria: Invitae Variant Classification Sherloc (09022015). Collection method: clinical testing. Allele origin: germline.
Comment: This sequence change replaces glutamic acid, which is acidic and polar, with glutamine, which is neutral and polar, at codon 1426 of the MYH11 protein (p.Glu1426Gln). This variant is present in population databases (rs567729923, gnomAD 0.0009%). This variant has not been reported in the literature in individuals affected with MYH11-related conditions. ClinVar contains an entry for this variant (Variation ID: 547547). Advanced modeling of protein sequence and biophysical properties (such as structural, functional, and spatial information, amino acid conservation, physicochemical variation, residue mobility, and thermodynamic stability) performed at Invitae indicates that this missense variant is not expected to disrupt MYH11 protein function. In summary, the available evidence is currently insufficient to determine the role of this variant in disease. Therefore, it has been classified as a Variant of Uncertain Significance.

Center for Human Genetics, Inc
Classification: Uncertain significance for Aortic aneurysm, familial thoracic 4. Last evaluated: 2016-11-01. Review status: criteria provided, single submitter. Criteria: ACMG Guidelines, 2015. Collection method: clinical testing. Allele origin: germline. Affected: yes.

NM_002474.3(MYH11):c.4255G>C (p.Glu1419Gln)

Genes: MYH11 (myosin heavy chain 11; minus strand), NDE1 (nudE neurodevelopment protein 1; plus strand). Cytogenetic location: 16p13.11.
Variant type: single nucleotide variant.
Coding change: c.4255G>C on transcript NM_002474.3 (MANE Select); coding-DNA position 4255, G replaced by C.
Protein change: p.Glu1419Gln; replaces glutamic acid 1419 with glutamine.
Molecular consequence: missense variant. On other transcripts: 3 prime UTR variant (2).
Genome position (GRCh38, 1-based): chr16:15,724,271, C>G on the plus strand (G>C on the coding strand, the complement: MYH11 is on the minus strand). VCF-style: chr16-15724271-C-G. GRCh37 (hg19) VCF-style: chr16-15818128-C-G.
Other names: c.4276G>C, p.Glu1426Gln (NM_001040113.2, NM_001040114.2); c.4255G>C, p.Glu1419Gln (NM_022844.3); c.*20C>G (NM_001143979.2, NM_017668.3); short protein forms E1419Q, E1426Q.
Identifiers: ClinVar variation 547547 (VCV000547547.10), dbSNP rs567729923, ClinGen allele CA278605806.